The following is an entry in ClinVar:

ClinVar aggregate classification (germline): Uncertain significance. Review status: criteria provided, multiple submitters, no conflicts (2 of 4 stars). 5 submissions from 5 submitters: Uncertain significance (4). 1 of the submissions does not count toward it. Last evaluated 2025-10-28.

Conditions:
RP1-related disorder. Also called: RP1-related condition.
Retinal dystrophy. Also called: Inherited retinal dystrophy. Identifiers: Orphanet 71862, MedGen C0854723, MeSH D058499, MONDO:0019118, HP:0000556.
Inborn genetic diseases. Identifiers: MedGen C0950123, MeSH D030342.

Allele frequency attached by ClinVar (database versions not stated): gnomAD exomes 0.00002; ExAC 0.00002.
gnomAD v4.1: 37 of 1,613,646 alleles (0.0023%); highest among the groups gnomAD compares: Middle Eastern, 0.016%; no homozygotes.

Submissions (5):

Labcorp Genetics (formerly Invitae), Labcorp
Classification: Uncertain significance. Last evaluated: 2025-10-28. Review status: criteria provided, single submitter. Criteria: Invitae Variant Classification Sherloc (09022015). Collection method: clinical testing. Allele origin: germline.
Comment: This sequence change replaces alanine, which is neutral and non-polar, with proline, which is neutral and non-polar, at codon 879 of the RP1 protein (p.Ala879Pro). This variant is present in population databases (rs753472023, gnomAD 0.01%). This variant has not been reported in the literature in individuals affected with RP1-related conditions. ClinVar contains an entry for this variant (Variation ID: 1905017). An algorithm developed to predict the effect of missense changes on protein structure and function outputs the following: PolyPhen-2: "Benign". The proline amino acid residue is found in multiple mammalian species, which suggests that this missense change does not adversely affect protein function. In summary, the available evidence is currently insufficient to determine the role of this variant in disease. Therefore, it has been classified as a Variant of Uncertain Significance.

PreventionGenetics, part of Exact Sciences
Classification: Uncertain significance for RP1-related condition. Last evaluated: 2025-01-30. Review status: criteria provided, single submitter. Criteria: ACMG Guidelines, 2015. Collection method: clinical testing. Allele origin: germline.
Comment: The RP1 c.2635G>C variant is predicted to result in the amino acid substitution p.Ala879Pro. To our knowledge, this variant has not been reported in the literature. This variant is reported in 0.0099% of alleles in individuals of Ashkenazi Jewish descent in gnomAD. At this time, the clinical significance of this variant is uncertain due to the absence of conclusive functional and genetic evidence.

Ambry Genetics
Classification: Uncertain significance for Inborn genetic diseases. Last evaluated: 2021-08-04. Review status: criteria provided, single submitter. Criteria: Ambry Variant Classification Scheme 2023. Collection method: clinical testing. Allele origin: germline.

Blueprint Genetics
Classification: Uncertain significance. Last evaluated: 2021-03-04. Review status: criteria provided, single submitter. Criteria: ACMG Guidelines, 2015. Collection method: clinical testing. Allele origin: germline.

Institute of Human Genetics, Univ. Regensburg, Univ. Regensburg
Classification: Uncertain significance for Retinal dystrophy. Last evaluated: 2022-01-01. Review status: no assertion criteria provided. Criteria: ACMG Guidelines, 2015. Collection method: clinical testing. Allele origin: germline. Affected: yes. Not counted in ClinVar's aggregate classification.

NM_006269.2(RP1):c.2635G>C (p.Ala879Pro)

Gene: RP1 (RP1 axonemal microtubule associated; plus strand). Cytogenetic location: 8q12.1.
Variant type: single nucleotide variant.
Coding change: c.2635G>C on transcript NM_006269.2 (MANE Select); coding-DNA position 2635, G replaced by C.
Protein change: p.Ala879Pro; replaces alanine 879 with proline.
Molecular consequence: missense variant. On other transcripts: intron variant (1).
Genome position (GRCh38, 1-based): chr8:54,626,517, G>C. VCF-style: chr8-54626517-G-C. GRCh37 (hg19) VCF-style: chr8-55539077-G-C.
Other names: c.787+4229G>C (NM_001375654.1); short protein forms A879P.
Identifiers: ClinVar variation 1905017 (VCV001905017.9), dbSNP rs753472023, ClinGen allele CA4751569.